The following is an entry in ClinVar:

ClinVar aggregate classification (germline): Uncertain significance (1 of 4 stars; one submission).

Submission:

GeneDx
Classification: Uncertain significance. Last evaluated: 2026-01-23. Review status: criteria provided, single submitter. Criteria: GeneDx Variant Classification Process June 2021. Collection method: clinical testing. Allele origin: germline.
Comment: Not observed at significant frequency in large population cohorts (gnomAD); In silico analysis supports that this missense variant has a deleterious effect on protein structure/function; Has not been previously published as pathogenic or benign to our knowledge

NM_003047.5(SLC9A1):c.1631A>G (p.His544Arg)

Gene: SLC9A1 (solute carrier family 9 member A1; minus strand). Cytogenetic location: 1p36.11.
Variant type: single nucleotide variant.
Coding change: c.1631A>G on transcript NM_003047.5 (MANE Select); coding-DNA position 1631, A replaced by G.
Protein change: p.His544Arg; replaces histidine 544 with arginine.
Molecular consequence: missense variant. On other transcripts: non-coding transcript variant (1).
Genome position (GRCh38, 1-based): chr1:27,102,688, T>C on the plus strand (A>G on the coding strand, the complement: SLC9A1 is on the minus strand). VCF-style: chr1-27102688-T-C. GRCh37 (hg19) VCF-style: chr1-27429179-T-C.
Other names: short protein forms H544R.
Identifiers: ClinVar variation 4975565 (VCV004975565.1).
Genomic context (GRCh38, chr1:27,102,688, plus strand): 5'-CCCTTGCCTGCCCCTCCCTGCCTGCCCACCAGGCCTGCCACCTACTTGTCCTTCCAGTGG[T>C]GGTGACCGTAGTGGCCACAGATGTCTTCGATGCCTGTCAGAAGGTGGTCCAGGAACTGAA-3'
Protein context (NP_003038.2, residues 534-554): IEDICGHYGH[His544Arg]HWKDKLNRFN